The following is an entry in ClinVar:

NM_032756.4(HPDL):c.789del (p.Pro264fs)

Gene: HPDL (4-hydroxyphenylpyruvate dioxygenase like; plus strand). Cytogenetic location: 1p34.1.
Variant type: Deletion.
Coding change: c.789del on transcript NM_032756.4 (MANE Select); coding-DNA position 789, one base deleted (G; older notation c.789delG).
Protein change: p.Pro264fs; shifts the reading frame from proline 264.
Molecular consequence: frameshift variant.
Genome position (GRCh38, 1-based): chr1:45,327,937, G deleted. VCF-style (leftmost placement, unchanged base first): chr1-45327936-CG-C. GRCh37 (hg19) VCF-style: chr1-45793608-CG-C.
Other names: short protein forms P264fs.
Identifiers: ClinVar variation 2221909 (VCV002221909.2), dbSNP rs1557438186, ClinGen allele CA916166134.

ClinVar aggregate classification (germline): Pathogenic (1 of 4 stars; one submission).

Conditions:
Inborn genetic diseases. Identifiers: MedGen C0950123, MeSH D030342.

Allele frequency attached by ClinVar (database versions not stated): gnomAD exomes below 0.00001.

Submission:

Ambry Genetics
Classification: Pathogenic for Inborn genetic diseases. Last evaluated: 2021-09-10. Review status: criteria provided, single submitter. Criteria: Ambry Variant Classification Scheme 2023. Collection method: clinical testing. Allele origin: germline.
Comment: The c.789delG (p.P264Lfs*51) alteration, located in exon 1 of the HPDL gene, consists of a deletion of one nucleotide at position 789, causing a translational frameshift with a predicted alternate stop codon after 51 amino acids. Premature stop codons are typically deleterious in nature; however, because HPDL is a single-exon gene, this alteration is not expected to trigger nonsense-mediated mRNA decay and a truncated protein could still be expressed (Maquat, 2004). This alteration results in the loss of 107 amino acids, removing 28.8% of the protein. In addition, other downstream truncating and missense alterations have been reported as disease-causing (Husain, 2020; Ghosh, 2021; Wiessner, 2021; Ambry internal data). Based on data from gnomAD, the alteration has an overall frequency of 0.0004% (1/229,706) total alleles studied. Based on the available evidence, this alteration is classified as pathogenic.

Literature cited by the submitters: PubMed 32707086; PubMed 33970200.